The following is an entry in ClinVar:

NM_001134407.3(GRIN2A):c.963C>T (p.Tyr321=)

Gene: GRIN2A (glutamate ionotropic receptor NMDA type subunit 2A; minus strand). Cytogenetic location: 16p13.2.
Variant type: single nucleotide variant.
Coding change: c.963C>T on transcript NM_001134407.3 (MANE Select); coding-DNA position 963, C replaced by T.
Protein change: p.Tyr321=; no amino-acid change (tyrosine 321 retained).
Molecular consequence: synonymous variant.
Genome position (GRCh38, 1-based): chr16:9,938,003, G>A on the plus strand (C>T on the coding strand, the complement: GRIN2A is on the minus strand). VCF-style: chr16-9938003-G-A. GRCh37 (hg19) VCF-style: chr16-10031860-G-A.
Other names: c.963C>T, p.Tyr321= (NM_000833.5, NM_001134408.2).
Identifiers: ClinVar variation 380415 (VCV000380415.52), dbSNP rs368200727, ClinGen allele CA7896866.

ClinVar aggregate classification (germline): Benign/Likely benign. Review status: criteria provided, multiple submitters, no conflicts (2 of 4 stars). 7 submissions from 7 submitters: Benign (1); Likely benign (6). Last evaluated 2025-11-05.

Conditions:
Inborn genetic diseases. Identifiers: MedGen C0950123, MeSH D030342.
Landau-Kleffner syndrome (FESD). Also called: EPILEPSY, FOCAL, WITH SPEECH DISORDER AND WITH OR WITHOUT MENTAL RETARDATION; APHASIA, ACQUIRED, WITH EPILEPSY. Identifiers: Orphanet 1945, Orphanet 725, Orphanet 98818, MedGen C0282512, MONDO:0009509, OMIM 245570.

Allele frequency attached by ClinVar (database versions not stated): gnomAD exomes 0.00008 and 0.00013; ExAC 0.00009; ESP Exome Variant Server 0.00031; gnomAD 0.00014; TOPMed 0.00020.
gnomAD v4.1: 218 of 1,613,890 alleles (0.014%); highest among the groups gnomAD compares: African/African-American, 0.025%; no homozygotes.

Submissions (7):

Labcorp Genetics (formerly Invitae), Labcorp
Classification: Likely benign for Landau-Kleffner syndrome. Last evaluated: 2025-11-05. Review status: criteria provided, single submitter. Criteria: Invitae Variant Classification Sherloc (09022015). Collection method: clinical testing. Allele origin: germline.

CeGaT Center for Human Genetics Tuebingen
Classification: Likely benign. Last evaluated: 2025-09-01. Review status: criteria provided, single submitter. Criteria: CeGaT Center For Human Genetics Tuebingen Variant Classification Criteria Version 2. Collection method: clinical testing. Allele origin: germline. Affected: yes. Observed: 2 variant alleles.
Comment: GRIN2A: BP4, BP7

Athena Diagnostics
Classification: Benign. Last evaluated: 2024-09-24. Review status: criteria provided, single submitter. Criteria: Athena Diagnostics Criteria. Collection method: clinical testing. Allele origin: unknown.

Blueprint Genetics
Classification: Likely benign. Last evaluated: 2023-12-05. Review status: criteria provided, single submitter. Criteria: ACMG Guidelines, 2015. Collection method: clinical testing. Allele origin: germline.

GeneDx
Classification: Likely benign. Last evaluated: 2019-09-06. Review status: criteria provided, single submitter. Criteria: GeneDx Variant Classification Process June 2021. Collection method: clinical testing. Allele origin: germline. Affected: yes.

Illumina Laboratory Services, Illumina
Classification: Likely benign for Landau-Kleffner syndrome. Last evaluated: 2018-01-12. Review status: criteria provided, single submitter. Criteria: ICSL Variant Classification Criteria 13 December 2019. Collection method: clinical testing. Allele origin: germline.
Comment: This variant was observed in the ICSL laboratory as part of a predisposition screen in an ostensibly healthy population. It had not been previously curated by ICSL or reported in the Human Gene Mutation Database (HGMD: prior to June 1st, 2018), and was therefore a candidate for classification through an automated scoring system. Utilizing variant allele frequency, disease prevalence and penetrance estimates, and inheritance mode, an automated score was calculated to assess if this variant is too frequent to cause the disease. Based on the score and internal cut-off values, a variant classified as likely benign is not then subjected to further curation. The score for this variant resulted in a classification of likely benign for this disease.

Ambry Genetics
Classification: Likely benign for Inborn genetic diseases. Last evaluated: 2016-12-23. Review status: criteria provided, single submitter. Criteria: Ambry Variant Classification Scheme 2023. Collection method: clinical testing. Allele origin: germline.